The following is an entry in ClinVar:

ClinVar aggregate classification (germline): Uncertain significance. Review status: criteria provided, multiple submitters, no conflicts (2 of 4 stars). 2 submissions from 2 submitters: Uncertain significance (2). Last evaluated 2024-11-28.

Allele frequency attached by ClinVar (database versions not stated): gnomAD exomes below 0.00001; ExAC 0.00001; ESP Exome Variant Server 0.00008.
gnomAD v4.1: 12 of 1,613,872 alleles (0.00074%); highest among the groups gnomAD compares: Non-Finnish European, 0.00093%; no homozygotes.

Submissions (2):

Ambry Genetics
Classification: Uncertain significance. Last evaluated: 2024-11-28. Review status: criteria provided, single submitter. Criteria: Ambry Variant Classification Scheme 2023. Collection method: clinical testing. Allele origin: germline.
Comment: The p.D514Y variant (also known as c.1540G>T), located in coding exon 13 of the GEN1 gene, results from a G to T substitution at nucleotide position 1540. The aspartic acid at codon 514 is replaced by tyrosine, an amino acid with highly dissimilar properties. This amino acid position is conserved. In addition, this alteration is predicted to be tolerated by in silico analysis. Based on the available evidence, the clinical significance of this variant remains unclear.

Labcorp Genetics (formerly Invitae), Labcorp
Classification: Uncertain significance. Last evaluated: 2022-03-10. Review status: criteria provided, single submitter. Criteria: Invitae Variant Classification Sherloc (09022015). Collection method: clinical testing. Allele origin: germline.
Comment: This variant is present in population databases (rs374734445, gnomAD 0.0009%). This sequence change replaces aspartic acid, which is acidic and polar, with tyrosine, which is neutral and polar, at codon 514 of the GEN1 protein (p.Asp514Tyr). This variant has not been reported in the literature in individuals affected with GEN1-related conditions. In summary, the available evidence is currently insufficient to determine the role of this variant in disease. Therefore, it has been classified as a Variant of Uncertain Significance. Algorithms developed to predict the effect of missense changes on protein structure and function are either unavailable or do not agree on the potential impact of this missense change (SIFT: "Deleterious"; PolyPhen-2: "Benign"; Align-GVGD: "Class C0").

NM_001130009.3(GEN1):c.1540G>T (p.Asp514Tyr)

Gene: GEN1 (GEN1 structure-specific endonuclease; plus strand). Cytogenetic location: 2p24.2.
Variant type: single nucleotide variant.
Coding change: c.1540G>T on transcript NM_001130009.3 (MANE Select); coding-DNA position 1540, G replaced by T.
Protein change: p.Asp514Tyr; replaces aspartic acid 514 with tyrosine.
Molecular consequence: missense variant.
Genome position (GRCh38, 1-based): chr2:17,780,752, G>T. VCF-style: chr2-17780752-G-T. GRCh37 (hg19) VCF-style: chr2-17962019-G-T.
Other names: c.1540G>T (NM_001130009.1); c.1540G>T, p.Asp514Tyr (NM_182625.5); short protein forms D514Y.
Identifiers: ClinVar variation 1512580 (VCV001512580.8), dbSNP rs374734445, ClinGen allele CA1540792.
Genomic context (GRCh38, chr2:17,780,752, plus strand): 5'-AAACCCACATGTGAAATCTTTCATAAGCAGAATTCCAAGTTAAATTCGGGGATTTCCCCT[G>T]ATCCTACATTACCACAGGAATCTATTTCTGCCTCATTGAATAGCTTGCTTTTACCTAAAA-3'
Protein context (NP_001123481.3, residues 504-524): NSKLNSGISP[Asp514Tyr]PTLPQESISA